The following is an entry in ClinVar:

NM_001351132.2(PEX5):c.*755C>G

Gene: PEX5 (peroxisomal biogenesis factor 5; plus strand). Cytogenetic location: 12p13.31.
Variant type: single nucleotide variant.
Coding change: c.*755C>G on transcript NM_001351132.2 (MANE Select); 755 bases downstream of the stop codon, C replaced by G.
Molecular consequence: 3 prime UTR variant. On other transcripts: intron variant (2).
Genome position (GRCh38, 1-based): chr12:7,210,978, C>G. VCF-style: chr12-7210978-C-G. GRCh37 (hg19) VCF-style: chr12-7363574-C-G.
Other names: c.*755C>G (NM_000319.5, NM_001131023.2, NM_001131024.2 and 20 more transcripts); c.*19+736C>G (NM_001131026.2, NM_001374646.1).
Identifiers: ClinVar variation 310452 (VCV000310452.6), dbSNP rs1057225, ClinGen allele CA10643337.

ClinVar aggregate classification (germline): Benign. Review status: criteria provided, multiple submitters, no conflicts (2 of 4 stars). 2 submissions from 2 submitters: Benign (2). Last evaluated 2018-01-13.

Conditions:
Peroxisome biogenesis disorder 2A (Zellweger) (PBD2A). Also called: Cerebrohepatorenal syndrome, variant types. Identifiers: Orphanet 912, MedGen C3550273, MONDO:0008954, OMIM 214110.

Allele frequency attached by ClinVar (database versions not stated): 1000 Genomes Project 30x 0.43129; 1000 Genomes Project 0.43211; gnomAD 0.44145 and 0.44372; TOPMed 0.45428; gnomAD exomes 0.48785.

Submissions (2):

Illumina Laboratory Services, Illumina
Classification: Benign for Peroxisome biogenesis disorder 2A (Zellweger). Last evaluated: 2018-01-13. Review status: criteria provided, single submitter. Criteria: ICSL Variant Classification Criteria 13 December 2019. Collection method: clinical testing. Allele origin: germline.
Comment: This variant was observed in the ICSL laboratory as part of a predisposition screen in an ostensibly healthy population. It had not been previously curated by ICSL or reported in the Human Gene Mutation Database (HGMD: prior to June 1st, 2018), and was therefore a candidate for classification through an automated scoring system. Utilizing variant allele frequency, disease prevalence and penetrance estimates, and inheritance mode, an automated score was calculated to assess if this variant is too frequent to cause the disease. Based on the score and internal cut-off values, a variant classified as benign is not then subjected to further curation. The score for this variant resulted in a classification of benign for this disease.

Breakthrough Genomics
Classification: Benign. Review status: criteria provided, single submitter. Criteria: ACMG Guidelines, 2015. Collection method: not provided. Allele origin: germline. Inheritance: Autosomal recessive inheritance. Affected: yes.